The following is an entry in ClinVar:

NM_000051.4(ATM):c.4909+8T>G

Gene: ATM (ATM serine/threonine kinase; plus strand). Cytogenetic location: 11q22.3.
Variant type: single nucleotide variant.
Coding change: c.4909+8T>G on transcript NM_000051.4 (MANE Select); 8 bases into the intron after coding-DNA position 4909, T replaced by G.
Molecular consequence: intron variant.
Genome position (GRCh38, 1-based): chr11:108,295,067, T>G. VCF-style: chr11-108295067-T-G. GRCh37 (hg19) VCF-style: chr11-108165794-T-G.
Other names: c.4909+8T>G (NM_001351834.2).
Identifiers: ClinVar variation 2584097 (VCV002584097.2), dbSNP rs2135838639, ClinGen allele CA2574971049.

ClinVar aggregate classification (germline): Likely benign (1 of 4 stars; one submission).

Conditions:
Familial cancer of breast. Also called: BREAST CANCER, FAMILIAL; hereditary breast carcinoma; Hereditary breast cancer. Identifiers: Orphanet 227535, MedGen C0346153, MONDO:0016419, OMIM 114480. Disease mechanism: loss of function.

gnomAD v4.1: 1 of 1,613,732 alleles (0.000062%); highest among the groups gnomAD compares: Non-Finnish European, 0.000085%; no homozygotes.

Submission:

Myriad Genetics, Inc.
Classification: Likely benign for Familial cancer of breast. Last evaluated: 2023-09-05. Review status: criteria provided, single submitter. Criteria: Myriad Autosomal Dominant, Autosomal Recessive and X-Linked Classification Criteria (2023). Collection method: clinical testing. Allele origin: unknown.
Comment: This variant is considered likely benign. This variant is intronic and is not expected to impact mRNA splicing.